The following is an entry in ClinVar:

ClinVar aggregate classification (germline): Uncertain significance. Review status: criteria provided, multiple submitters, no conflicts (2 of 4 stars). 2 submissions from 2 submitters: Uncertain significance (2). Last evaluated 2022-06-22.

Conditions:
Inborn genetic diseases. Identifiers: MedGen C0950123, MeSH D030342.

Allele frequency attached by ClinVar (database versions not stated): gnomAD exomes below 0.00001; ExAC 0.00001; gnomAD 0.00001; TOPMed 0.00002.
gnomAD v4.1: 6 of 1,612,890 alleles (0.00037%); highest among the groups gnomAD compares: African/African-American, 0.004%; no homozygotes.

Submissions (2):

Labcorp Genetics (formerly Invitae), Labcorp
Classification: Uncertain significance. Last evaluated: 2022-06-22. Review status: criteria provided, single submitter. Criteria: Invitae Variant Classification Sherloc (09022015). Collection method: clinical testing. Allele origin: germline.
Comment: In summary, the available evidence is currently insufficient to determine the role of this variant in disease. Therefore, it has been classified as a Variant of Uncertain Significance. Algorithms developed to predict the effect of missense changes on protein structure and function are either unavailable or do not agree on the potential impact of this missense change (SIFT: "Deleterious"; PolyPhen-2: "Possibly Damaging"; Align-GVGD: "Class C0"). This variant has not been reported in the literature in individuals affected with CAD-related conditions. This variant is present in population databases (rs770332180, gnomAD 0.02%). This sequence change replaces arginine, which is basic and polar, with glutamine, which is neutral and polar, at codon 1731 of the CAD protein (p.Arg1731Gln).

Ambry Genetics
Classification: Uncertain significance for Inborn genetic diseases. Last evaluated: 2022-03-29. Review status: criteria provided, single submitter. Criteria: Ambry Variant Classification Scheme 2023. Collection method: clinical testing. Allele origin: germline.

NM_004341.5(CAD):c.5192G>A (p.Arg1731Gln)

Gene: CAD (carbamoyl-phosphate synthetase 2, aspartate transcarbamylase, and dihydroorotase; plus strand). Cytogenetic location: 2p23.3.
Variant type: single nucleotide variant.
Coding change: c.5192G>A on transcript NM_004341.5 (MANE Select); coding-DNA position 5192, G replaced by A.
Protein change: p.Arg1731Gln; replaces arginine 1731 with glutamine.
Molecular consequence: missense variant.
Genome position (GRCh38, 1-based): chr2:27,239,171, G>A. VCF-style: chr2-27239171-G-A. GRCh37 (hg19) VCF-style: chr2-27462039-G-A.
Other names: c.5003G>A, p.Arg1668Gln (NM_001306079.2); short protein forms R1668Q, R1731Q.
Identifiers: ClinVar variation 2053586 (VCV002053586.5), dbSNP rs770332180, ClinGen allele CA1573773.